The following is an entry in ClinVar:

ClinVar aggregate classification (germline): Likely pathogenic (1 of 4 stars; one submission).

Conditions:
Jeune thoracic dystrophy. Also called: Short-rib thoracic dysplasia; Jeune syndrome; Infantile thoracic dystrophy; Thoracic pelvic phalangeal dystrophy; Jeune's syndrome; Chondroectodermal dysplasia-like syndrome. Identifiers: Orphanet 474, MedGen C0265275, MONDO:0018770.

Submission:

Labcorp Genetics (formerly Invitae), Labcorp
Classification: Likely pathogenic for Jeune thoracic dystrophy. Last evaluated: 2025-03-17. Review status: criteria provided, single submitter. Criteria: Invitae Variant Classification Sherloc (09022015). Collection method: clinical testing. Allele origin: germline.
Comment: This sequence change affects an acceptor splice site in intron 7 of the DYNC2H1 gene. It is expected to disrupt RNA splicing. Variants that disrupt the donor or acceptor splice site typically lead to a loss of protein function (PMID: 16199547), and loss-of-function variants in DYNC2H1 are known to be pathogenic (PMID: 23339108, 32753734, 33755199). This variant is not present in population databases (gnomAD no frequency). This variant has not been reported in the literature in individuals affected with DYNC2H1-related conditions. Algorithms developed to predict the effect of sequence changes on RNA splicing suggest that this variant may disrupt the consensus splice site. In summary, the currently available evidence indicates that the variant is pathogenic, but additional data are needed to prove that conclusively. Therefore, this variant has been classified as Likely Pathogenic.

Literature cited by the submitters: PubMed 16199547; PubMed 23339108; PubMed 32753734; PubMed 33755199.

NM_001377.3(DYNC2H1):c.1135-1G>T

Gene: DYNC2H1 (dynein cytoplasmic 2 heavy chain 1; plus strand). Cytogenetic location: 11q22.3.
Variant type: single nucleotide variant.
Coding change: c.1135-1G>T on transcript NM_001377.3 (MANE Select); the canonical splice acceptor site of the intron before coding-DNA position 1135, G replaced by T.
Molecular consequence: splice acceptor variant.
Genome position (GRCh38, 1-based): chr11:103,120,688, G>T. VCF-style: chr11-103120688-G-T. GRCh37 (hg19) VCF-style: chr11-102991417-G-T.
Other names: c.1135-1G>T (NM_001080463.2).
Identifiers: ClinVar variation 3722702 (VCV003722702.2).